The following is an entry in ClinVar:

ClinVar aggregate classification (germline): Benign. Review status: criteria provided, multiple submitters, no conflicts (2 of 4 stars). 5 submissions from 5 submitters: Benign (3). 2 of the submissions do not count toward it. Last evaluated 2026-01-25.

Conditions:
ATP5F1A-related disorder. Also called: ATP5F1A-related condition.

Allele frequency attached by ClinVar (database versions not stated): gnomAD exomes 0.01123; ExAC 0.01370; gnomAD 0.03951 and 0.04185; TOPMed 0.04401; 1000 Genomes Project 0.04513; ESP Exome Variant Server 0.04575; 1000 Genomes Project 30x 0.04903.
gnomAD v4.1: 12,873 of 1,606,992 alleles (0.8%); highest among the groups gnomAD compares: African/African-American, 13%; 742 homozygotes.

Submissions (5):

Labcorp Genetics (formerly Invitae), Labcorp
Classification: Benign. Last evaluated: 2026-01-25. Review status: criteria provided, single submitter. Criteria: Invitae Variant Classification Sherloc (09022015). Collection method: clinical testing. Allele origin: germline.

GeneDx
Classification: Benign. Last evaluated: 2015-12-23. Review status: criteria provided, single submitter. Criteria: GeneDx Variant Classification (06012015). Collection method: clinical testing. Allele origin: germline. Affected: yes.
Comment: This variant is considered likely benign or benign based on one or more of the following criteria: it is a conservative change, it occurs at a poorly conserved position in the protein, it is predicted to be benign by multiple in silico algorithms, and/or has population frequency not consistent with disease.

Breakthrough Genomics
Classification: Benign. Review status: criteria provided, single submitter. Criteria: ACMG Guidelines, 2015. Collection method: not provided. Allele origin: germline. Inheritance: Autosomal recessive inheritance. Affected: yes.

PreventionGenetics, part of Exact Sciences
Classification: Benign for ATP5F1A-related condition. Last evaluated: 2020-01-02. Review status: no assertion criteria provided. Collection method: clinical testing. Allele origin: germline. Not counted in ClinVar's aggregate classification.
Comment: This variant is classified as benign based on ACMG/AMP sequence variant interpretation guidelines (Richards et al. 2015 PMID: 25741868, with internal and published modifications).

Mayo Clinic Laboratories, Mayo Clinic
Classification: Benign. Last evaluated: 2016-03-15. Review status: no assertion criteria provided. Collection method: clinical testing. Allele origin: unknown. Not counted in ClinVar's aggregate classification.

NM_004046.6(ATP5F1A):c.140-4A>G

Gene: ATP5F1A (ATP synthase F1 subunit alpha; minus strand). Cytogenetic location: 18q21.1.
Variant type: single nucleotide variant.
Coding change: c.140-4A>G on transcript NM_004046.6 (MANE Select); 4 bases into the intron before coding-DNA position 140, A replaced by G.
Molecular consequence: intron variant.
Genome position (GRCh38, 1-based): chr18:46,091,855, T>C on the plus strand (A>G on the coding strand, the complement: ATP5F1A is on the minus strand). VCF-style: chr18-46091855-T-C. GRCh37 (hg19) VCF-style: chr18-43671821-T-C.
Other names: c.140-4A>G (NM_001001937.2, NM_001257334.2); c.-11-4A>G (NM_001001935.3, NM_001257335.2).
Identifiers: ClinVar variation 380086 (VCV000380086.15), dbSNP rs73440247, ClinGen allele CA8950878.